The following continues an entry in ClinVar:

NM_000059.4(BRCA2):c.8092G>A (p.Ala2698Thr)

Gene: BRCA2. ClinVar aggregate classification (germline): Conflicting classifications of pathogenicity. Uncertain significance (6); Likely benign (12).

Submissions 16 to 23 of 23:

GeneDx
Classification: Likely benign. Last evaluated: 2017-11-03. Review status: criteria provided, single submitter. Criteria: GeneDx Variant Classification (06012015). Collection method: clinical testing. Allele origin: germline. Affected: yes.
Comment: This variant is considered likely benign or benign based on one or more of the following criteria: it is a conservative change, it occurs at a poorly conserved position in the protein, it is predicted to be benign by multiple in silico algorithms, and/or has population frequency not consistent with disease.

ARUP Laboratories, Molecular Genetics and Genomics, ARUP Laboratories
Classification: Uncertain significance. Last evaluated: 2017-07-19. Review status: criteria provided, single submitter. Criteria: ARUP Molecular Germline Variant Investigation Process. Collection method: clinical testing. Allele origin: germline.
Comment: The BRCA2 c.8092G>A;p.Ala2698Thr variant has been described in the medical literature in an individual with breast cancer and a family history of cancer (Manguoglu 2010). The variant is listed in the ClinVar database (Variation ID: 38138), the dbSNP variant database (rs80359052), and the Genome Aggregation Database with an allele frequency of 0.004331 percent (12/277058 alleles). The amino acid at this position is weakly conserved across species, with several mammalian species with threonine at this position, and computational algorithms (AlignGVGD, SIFT, MutationTaster) predict this variant is tolerated. Considering available information, the clinical significance cannot be determined with certainty. References: Manguoglu E et al. Germline mutations of BRCA1 and BRCA2 genes in Turkish breast, ovarian, and prostate cancer patients. Cancer Genet Cytogenet. 2010 Dec;203(2):230-7.

Color Diagnostics, LLC DBA Color Health
Classification: Likely benign for Hereditary cancer-predisposing syndrome. Last evaluated: 2015-09-23. Review status: criteria provided, single submitter. Criteria: ACMG Guidelines, 2015. Collection method: clinical testing. Allele origin: germline.

Department of Medical and Surgical Sciences, University of Bologna
Classification: Likely benign for Breast-ovarian cancer, familial, susceptibility to, 2. Last evaluated: 2023-09-01. Review status: no assertion criteria provided. Collection method: clinical testing. Allele origin: germline. Affected: yes. Not counted in ClinVar's aggregate classification.
Comment: BS1(Strong)+BP4(Supporting) according to ACMG/AMP classification guidelines specified for BRCA1 & BRCA2 (Classification Criteria V1.0.0 2023-09-08) (PMID: 38160042)

Counsyl
Classification: Uncertain significance for Breast-ovarian cancer, familial, susceptibility to, 2. Last evaluated: 2015-11-23. Review status: no assertion criteria provided. Collection method: clinical testing. Allele origin: unknown. Not counted in ClinVar's aggregate classification.

Sharing Clinical Reports Project (SCRP)
Classification: Uncertain significance for Breast-ovarian cancer, familial 2. Last evaluated: 2007-03-13. Review status: no assertion criteria provided. Collection method: clinical testing. Allele origin: germline. Not counted in ClinVar's aggregate classification.

Breast Cancer Information Core (BIC) (BRCA2)
Classification: Uncertain significance for Breast-ovarian cancer, familial 2. Last evaluated: 1998-11-30. Review status: no assertion criteria provided. Collection method: clinical testing. Allele origin: germline. Affected: yes. Observed: 1 variant allele. Not counted in ClinVar's aggregate classification.

Department of Pathology and Laboratory Medicine, Sinai Health System
Classification: Uncertain significance for Malignant tumor of breast. Review status: no assertion criteria provided. Collection method: clinical testing. Allele origin: unknown. Affected: yes. Study: The Canadian Open Genetics Repository (COGR). Not counted in ClinVar's aggregate classification.
Comment: The BRCA2 p.Ala2698Thr variant was identified in in 4 of 5634 proband chromosomes (frequency: 0.0007) from individuals or families with breast or ovarian cancer and was present in 1 of 290 control chromosomes (frequency: 0.003) from healthy individuals (Lee 2018, ManguoÆ’Ã¼lu 2010, Pal 2015, Wagner 1999, Encinas 2018). The variant was also identified in dbSNP (ID: rs80359052) as "with Uncertain significance allele", ClinVar (classified as uncertain significance by Invitae, Sharing Clinical Reports Project (SCRP) and six other submitters; and as likely benign by Ambry Genetics, GeneDx and one other submitter), and the LOVD 3.0 database. The variant was not identified in the UMD-LSDB database. It was identified in control databases in 12 of 277058 chromosomes at a frequency of 0.00004 (Genome Aggregation Database Feb 27, 2017). The variant was observed in the following populations: African in 6 of 24034 chromosomes (freq: 0.0003), Other in 1 of 6460 chromosomes (freq: 0.0002), and East Asian in 5 of 18860 chromosomes (freq: 0.0003), while the variant was not observed in the Latino, European, Ashkenazi Jewish, Finnish or South Asian populations. The p.Ala2698 residue is not conserved in mammals and computational analyses (PolyPhen-2, SIFT, AlignGVGD, BLOSUM, MutationTaster) do not suggest a high likelihood of impact to the protein; however, this information is not predictive enough to rule out pathogenicity. The variant occurs outside of the splicing consensus sequence and in silico or computational prediction software programs (SpliceSiteFinder, MaxEntScan, NNSPLICE, GeneSplicer) do not predict a difference in splicing. In summary, based on the above information, the clinical significance of this variant cannot be determined with certainty at this time. This variant is classified as a variant of uncertain significance.

Literature cited by the submitters: PubMed 26287763 (cited by Quest Diagnostics Nichols Institute San Juan Capistrano and Women's Health and Genetics/Laboratory Corporation of America, LabCorp); PubMed 25348012 (cited by Quest Diagnostics Nichols Institute San Juan Capistrano and Women's Health and Genetics/Laboratory Corporation of America, LabCorp); PubMed 32467295 (cited by Quest Diagnostics Nichols Institute San Juan Capistrano); PubMed 39779857 (cited by Quest Diagnostics Nichols Institute San Juan Capistrano); PubMed 39779848 (cited by Quest Diagnostics Nichols Institute San Juan Capistrano); PubMed 33471991 (cited by 3 submitters); PubMed 35464868 (cited by Quest Diagnostics Nichols Institute San Juan Capistrano); PubMed 33875706 (cited by 3 submitters); PubMed 32885271 (cited by Quest Diagnostics Nichols Institute San Juan Capistrano and Sema4); PubMed 32658311 (cited by 3 submitters); PubMed 30982232 (cited by 3 submitters); PubMed 30415210 (cited by Quest Diagnostics Nichols Institute San Juan Capistrano and Women's Health and Genetics/Laboratory Corporation of America, LabCorp); PubMed 30039884 (cited by Quest Diagnostics Nichols Institute San Juan Capistrano and Women's Health and Genetics/Laboratory Corporation of America, LabCorp); PubMed 29854292 (cited by 3 submitters); PubMed 26689913 (cited by Quest Diagnostics Nichols Institute San Juan Capistrano and Women's Health and Genetics/Laboratory Corporation of America, LabCorp); PubMed 24132290 (cited by Quest Diagnostics Nichols Institute San Juan Capistrano and Women's Health and Genetics/Laboratory Corporation of America, LabCorp); PubMed 9971877 (cited by Quest Diagnostics Nichols Institute San Juan Capistrano and Women's Health and Genetics/Laboratory Corporation of America, LabCorp); PubMed 21156238 (cited by 3 submitters); DOI 10.3389/fgene.2022.834265 (cited by National Health Laboratory Service, Universitas Academic Hospital and University of the Free State).